The following is an entry in ClinVar:

ClinVar aggregate classification (germline): Pathogenic (1 of 4 stars; one submission).

Submission:

GeneDx
Classification: Pathogenic. Last evaluated: 2015-07-07. Review status: criteria provided, single submitter. Criteria: GeneDx Variant Classification (06012015). Collection method: clinical testing. Allele origin: germline. Affected: yes.
Comment: The c.767delG variant in the UBE3A gene causes a frameshift starting with codon Arginine 256, changes this amino acid to a Glutamine residue and creates a premature Stop codon at position 6 of the new reading frame, denoted p.Arg256GlnfsX6. This variant is predicted to cause loss of normal protein function either through protein truncation or nonsense-mediated mRNA decay. Although this variant has not been previously reported to our knowledge, we interpret c.767delG as a pathogenic variant.

NM_130839.5(UBE3A):c.827del (p.Arg276fs)

Genes: SNHG14 (small nucleolar RNA host gene 14; plus strand), UBE3A (ubiquitin protein ligase E3A; minus strand). Cytogenetic location: 15q11.2.
Variant type: Deletion.
Coding change: c.827del on transcript NM_130839.5 (MANE Select); coding-DNA position 827, one base deleted (G; older notation c.827delG).
Protein change: p.Arg276fs; shifts the reading frame from arginine 276.
Molecular consequence: frameshift variant. On other transcripts: non-coding transcript variant (1), intron variant (2).
Genome position (GRCh38, 1-based): chr15:25,371,347, C deleted on the plus strand (G on the coding strand, the reverse complement: UBE3A is on the minus strand). VCF-style (leftmost placement, unchanged base first): chr15-25371346-TC-T. GRCh37 (hg19) VCF-style: chr15-25616493-TC-T.
Other names: c.836del, p.Arg279fs (NM_000462.5); c.827del, p.Arg276fs (NM_001354505.1, NM_001354538.2, NM_001354545.2); c.767del, p.Arg256fs (NM_001354506.2, NM_001354507.2, NM_001354508.2 and 17 more transcripts); c.650del, p.Arg217fs (NM_001354546.2); c.301+4118del (NM_001354551.2); c.361+4118del (NM_001354550.2); short protein forms R279fs, R217fs, R256fs, R276fs.
Identifiers: ClinVar variation 265285 (VCV000265285.2), dbSNP rs886039448, ClinGen allele CA10588581.